The following is an entry in ClinVar:

NM_020778.5(ALPK3):c.2718G>A (p.Met906Ile)

Gene: ALPK3 (alpha kinase 3; plus strand). Cytogenetic location: 15q25.3.
Variant type: single nucleotide variant.
Coding change: c.2718G>A on transcript NM_020778.5 (MANE Select); coding-DNA position 2718, G replaced by A.
Protein change: p.Met906Ile; replaces methionine 906 with isoleucine.
Molecular consequence: missense variant.
Genome position (GRCh38, 1-based): chr15:84,857,456, G>A. VCF-style: chr15-84857456-G-A. GRCh37 (hg19) VCF-style: chr15-85400687-G-A.
Other names: short protein forms M906I.
Identifiers: ClinVar variation 3616406 (VCV003616406.2).

ClinVar aggregate classification (germline): Uncertain significance (1 of 4 stars; one submission).

gnomAD v4.1: 1 of 1,613,594 alleles (0.000062%); highest among the groups gnomAD compares: Middle Eastern, 0.016%; no homozygotes.

Submission:

Labcorp Genetics (formerly Invitae), Labcorp
Classification: Uncertain significance. Last evaluated: 2024-11-03. Review status: criteria provided, single submitter. Criteria: Invitae Variant Classification Sherloc (09022015). Collection method: clinical testing. Allele origin: germline.
Comment: This sequence change replaces methionine, which is neutral and non-polar, with isoleucine, which is neutral and non-polar, at codon 1108 of the ALPK3 protein (p.Met1108Ile). This variant is not present in population databases (gnomAD no frequency). This variant has not been reported in the literature in individuals affected with ALPK3-related conditions. Invitae Evidence Modeling of protein sequence and biophysical properties (such as structural, functional, and spatial information, amino acid conservation, physicochemical variation, residue mobility, and thermodynamic stability) indicates that this missense variant is not expected to disrupt ALPK3 protein function with a negative predictive value of 80%. In summary, the available evidence is currently insufficient to determine the role of this variant in disease. Therefore, it has been classified as a Variant of Uncertain Significance.